The following is an entry in ClinVar:

ClinVar aggregate classification (germline): Uncertain significance (1 of 4 stars; one submission).

Conditions:
Stormorken syndrome (STRMK). Also called: THROMBOCYTOPATHY, ASPLENIA, AND MIOSIS. Identifiers: Orphanet 3204, MedGen C1861451, MONDO:0008497, OMIM 185070.
Combined immunodeficiency due to STIM1 deficiency. Also called: STIM1 DEFICIENCY; IMMUNODEFICIENCY 10. Identifiers: Orphanet 169090, Orphanet 317430, MedGen C2748557, MONDO:0013008, OMIM 612783.
Myopathy with tubular aggregates (TAM). Also called: Tubular Aggregate Myopathy. Identifiers: Orphanet 2593, MedGen C0410207, MONDO:0008051.

Allele frequency attached by ClinVar (database versions not stated): gnomAD 0.00001; gnomAD exomes 0.00001; TOPMed 0.00001; ExAC 0.00002.
gnomAD v4.1: 18 of 1,609,192 alleles (0.0011%); highest among the groups gnomAD compares: Middle Eastern, 0.02%; no homozygotes.

Submission:

Labcorp Genetics (formerly Invitae), Labcorp
Classification: Uncertain significance for Myopathy with tubular aggregates; Combined immunodeficiency due to STIM1 deficiency; Stormorken syndrome. Last evaluated: 2019-12-04. Review status: criteria provided, single submitter. Criteria: Invitae Variant Classification Sherloc (09022015). Collection method: clinical testing. Allele origin: germline.
Comment: In summary, the available evidence is currently insufficient to determine the role of this variant in disease. Therefore, it has been classified as a Variant of Uncertain Significance. Nucleotide substitutions within the consensus splice site are a relatively common cause of aberrant splicing (PMID: 17576681, 9536098). Algorithms developed to predict the effect of sequence changes on RNA splicing suggest that this variant is not likely to affect RNA splicing, but this prediction has not been confirmed by published transcriptional studies. This variant has not been reported in the literature in individuals with STIM1-related conditions. This variant is present in population databases (rs199831332, ExAC 0.004%). This sequence change falls in intron 8 of the STIM1 gene. It does not directly change the encoded amino acid sequence of the STIM1 protein, but it affects a nucleotide within the consensus splice site of the intron.

Literature cited by the submitters: PubMed 17576681; PubMed 9536098.

NM_001382567.1(STIM1):c.1137+3G>A

Gene: STIM1 (stromal interaction molecule 1; plus strand). Cytogenetic location: 11p15.4.
Variant type: single nucleotide variant.
Coding change: c.1137+3G>A on transcript NM_001382567.1 (MANE Select); 3 bases into the intron after coding-DNA position 1137, G replaced by A.
Molecular consequence: intron variant.
Genome position (GRCh38, 1-based): chr11:4,082,354, G>A. VCF-style: chr11-4082354-G-A. GRCh37 (hg19) VCF-style: chr11-4103584-G-A.
Other names: c.915+3G>A (NM_001382578.1, NM_001382575.1, NM_001382576.1 and 4 more transcripts); c.648+3G>A (NM_001382580.1, NM_001382581.1); c.1137+3G>A (NM_001382568.1, NM_001277962.2, NM_003156.4 and 1 more transcripts); c.909+3G>A (NM_001382570.1); c.1002+3G>A (NM_001382569.1); c.657+3G>A (NM_001382571.1).
Identifiers: ClinVar variation 849348 (VCV000849348.8), dbSNP rs199831332, ClinGen allele CA5830390.